The following is an entry in ClinVar:

ClinVar aggregate classification (germline): Uncertain significance. Review status: criteria provided, multiple submitters, no conflicts (2 of 4 stars). 3 submissions from 3 submitters: Uncertain significance (3). Last evaluated 2025-07-30.

Conditions:
Juvenile polyposis syndrome (JPS). Identifiers: Orphanet 2929, MedGen C0345893, MONDO:0017380, OMIM 174900.
Hereditary cancer-predisposing syndrome. Also called: Hereditary Cancer Syndrome; Tumor predisposition; Neoplastic Syndromes, Hereditary; Hereditary neoplastic syndrome. Identifiers: Orphanet 140162, MedGen C0027672, MeSH D009386, MONDO:0015356.
Familial thoracic aortic aneurysm and aortic dissection (TAAD). Also called: Thoracic aortic aneurysms and dissections. Identifiers: Orphanet 91387, MedGen C4707243, MONDO:0019625.

Submissions (3):

Labcorp Genetics (formerly Invitae), Labcorp
Classification: Uncertain significance for Juvenile polyposis syndrome. Last evaluated: 2025-07-30. Review status: criteria provided, single submitter. Criteria: Invitae Variant Classification Sherloc (09022015). Collection method: clinical testing. Allele origin: germline.
Comment: This sequence change falls in intron 6 of the SMAD4 gene. It does not directly change the encoded amino acid sequence of the SMAD4 protein. It affects a nucleotide within the consensus splice site. This variant is not present in population databases (gnomAD no frequency). This variant has not been reported in the literature in individuals affected with SMAD4-related conditions. ClinVar contains an entry for this variant (Variation ID: 3365709). Variants that disrupt the consensus splice site are a relatively common cause of aberrant splicing (PMID: 17576681, 9536098). Algorithms developed to predict the effect of sequence changes on RNA splicing suggest that this variant may disrupt the consensus splice site. In summary, the available evidence is currently insufficient to determine the role of this variant in disease. Therefore, it has been classified as a Variant of Uncertain Significance.

Ambry Genetics
Classification: Uncertain significance for Hereditary cancer-predisposing syndrome; Familial thoracic aortic aneurysm and aortic dissection. Last evaluated: 2024-10-17. Review status: criteria provided, single submitter. Criteria: Ambry Variant Classification Scheme 2023. Collection method: clinical testing. Allele origin: germline.
Comment: The c.787+3A>G intronic variant results from an A to G substitution 3 nucleotides after coding exon 5 in the SMAD4 gene. This nucleotide position is not well conserved in available vertebrate species. In silico splice site analysis predicts that this alteration may result in the creation or strengthening of a novel splice donor site; however, direct evidence is insufficient at this time (Ambry internal data). Based on the available evidence, the clinical significance of this variant remains unclear.

GeneDx
Classification: Uncertain significance. Last evaluated: 2023-12-21. Review status: criteria provided, single submitter. Criteria: GeneDx Variant Classification Process June 2021. Collection method: clinical testing. Allele origin: germline. Affected: yes.
Comment: Not observed at significant frequency in large population cohorts (gnomAD); Has not been previously published as pathogenic or benign to our knowledge; In silico analysis suggests this variant may impact gene splicing. In the absence of RNA/functional studies, the actual effect of this sequence change is unknown.

Literature cited by the submitters: PubMed 17576681 (cited by Labcorp Genetics (formerly Invitae), Labcorp); PubMed 9536098 (cited by Labcorp Genetics (formerly Invitae), Labcorp).

NM_005359.6(SMAD4):c.787+3A>G

Gene: SMAD4 (SMAD family member 4; plus strand). Cytogenetic location: 18q21.2.
Variant type: single nucleotide variant.
Coding change: c.787+3A>G on transcript NM_005359.6 (MANE Select); 3 bases into the intron after coding-DNA position 787, A replaced by G.
Molecular consequence: intron variant.
Genome position (GRCh38, 1-based): chr18:51,058,247, A>G. VCF-style: chr18-51058247-A-G. GRCh37 (hg19) VCF-style: chr18-48584617-A-G.
Other names: c.787+3A>G (NM_005359.5, NM_001407042.1, NM_001407041.1 and 1 more transcripts).
Identifiers: ClinVar variation 3365709 (VCV003365709.3).
Genomic context (GRCh38, chr18:51,058,247, plus strand): 5'-CCTCAGCCAGGACAGCAGCAGAATGGATTTACTGGTCAGCCAGCTACTTACCATCATAGT[A>G]TGTACATACTTTAAAAAATCTTTTAAATAGTTGAGAAAAAAGTAGGCAGCCTTTATAAAA-3'